The following is an entry in ClinVar:

NC_000002.11:g.(?_29416090)_(29416798_?)del

Gene: ALK (ALK receptor tyrosine kinase; minus strand). Cytogenetic location: 2p23.2.
Variant type: Deletion.
Identifiers: ClinVar variation 1440175 (VCV001440175.6).

ClinVar aggregate classification (germline): Uncertain significance (1 of 4 stars; one submission).

Conditions:
Neuroblastoma, susceptibility to, 3. Also called: ALK-Related Neuroblastic Tumor Susceptibility. Identifiers: Orphanet 635, MedGen C2751681, MONDO:0013083, OMIM 613014.

Submission:

Labcorp Genetics (formerly Invitae), Labcorp
Classification: Uncertain significance for Neuroblastoma, susceptibility to, 3. Last evaluated: 2023-09-03. Review status: criteria provided, single submitter. Criteria: Invitae Variant Classification Sherloc (09022015). Collection method: clinical testing. Allele origin: germline.
Comment: This variant is a gross deletion of the genomic region encompassing exon(s) 29 of the ALK gene, which includes the termination codon. This deletion extends beyond the assayed region for this gene and therefore may encompass additional genes. While this deletion is not anticipated to lead to nonsense mediated decay, it is expected to alter mRNA translation or result in a truncated protein product. This variant has not been reported in the literature in individuals affected with ALK-related conditions. Experimental studies and prediction algorithms are not available or were not evaluated, and the functional significance of this variant is currently unknown. In summary, the available evidence is currently insufficient to determine the role of this variant in disease. Therefore, it has been classified as a Variant of Uncertain Significance.